The following is an entry in ClinVar:

NM_000553.6(WRN):c.2968-1G>A

Gene: WRN (WRN RecQ like helicase; plus strand). Cytogenetic location: 8p12.
Variant type: single nucleotide variant.
Coding change: c.2968-1G>A on transcript NM_000553.6 (MANE Select); the canonical splice acceptor site of the intron before coding-DNA position 2968, G replaced by A.
Molecular consequence: splice acceptor variant.
Genome position (GRCh38, 1-based): chr8:31,141,429, G>A. VCF-style: chr8-31141429-G-A. GRCh37 (hg19) VCF-style: chr8-30998945-G-A.
Identifiers: ClinVar variation 846316 (VCV000846316.8), dbSNP rs1300106191, ClinGen allele CA370921578.
Genomic context (GRCh38, chr8:31,141,429, plus strand): 5'-TTTACTTAACCTATATGTTTAAATTAGCATTTTTAGATACTGATTTTATTCCTAATTTCA[G>A]AATTCTCAGCGTCTTGCCGATCAATATCGCAGGCACAGTTTATTTGGCACTGGCAAGGAT-3'

ClinVar aggregate classification (germline): Likely pathogenic. Review status: criteria provided, single submitter (1 of 4 stars). 2 submissions from 2 submitters: Likely pathogenic (1). 1 of the submissions does not count toward it. Last evaluated 2023-12-18.

Conditions:
Werner syndrome (WRN). Identifiers: Orphanet 902, MedGen C0043119, MONDO:0010196, OMIM 277700.

Allele frequency attached by ClinVar (database versions not stated): gnomAD exomes below 0.00001.
gnomAD v4.1: 1 of 1,614,006 alleles (0.000062%); highest among the groups gnomAD compares: South Asian, 0.0011%; no homozygotes.

Submissions (2):

Labcorp Genetics (formerly Invitae), Labcorp
Classification: Likely pathogenic for Werner syndrome. Last evaluated: 2023-12-18. Review status: criteria provided, single submitter. Criteria: Invitae Variant Classification Sherloc (09022015). Collection method: clinical testing. Allele origin: germline.
Comment: This sequence change affects an acceptor splice site in intron 24 of the WRN gene. It is expected to disrupt RNA splicing. Variants that disrupt the donor or acceptor splice site typically lead to a loss of protein function (PMID: 16199547), and loss-of-function variants in WRN are known to be pathogenic (PMID: 16673358). This variant is present in population databases (no rsID available, gnomAD 0.003%). This variant has not been reported in the literature in individuals affected with WRN-related conditions. ClinVar contains an entry for this variant (Variation ID: 846316). Algorithms developed to predict the effect of sequence changes on RNA splicing suggest that this variant may disrupt the consensus splice site. In summary, the currently available evidence indicates that the variant is pathogenic, but additional data are needed to prove that conclusively. Therefore, this variant has been classified as Likely Pathogenic.

Department of Pathology and Laboratory Medicine, Sinai Health System
Classification: Likely pathogenic. Review status: no assertion criteria provided. Collection method: clinical testing. Allele origin: unknown. Affected: yes. Study: The Canadian Open Genetics Repository (COGR). Not counted in ClinVar's aggregate classification.
Comment: The WRN c.2968-1G>A variant was not identified in the literature nor was it identified in ClinVar. The variant was identified in dbSNP (ID: rs1300106191) and in control databases in 1 of 236724 chromosomes at a frequency of 0.000004224 (Genome Aggregation Database March 6, 2019, v2.1.1, non-cancer). The variant was observed in the South Asian population in 1 of 30522 chromosomes (freq: 0.000033), but was not observed in the African, Latino, Ashkenazi Jewish, East Asian, European (Finnish), European (non-Finnish), or Other populations. The c.2968-1G>A variant is predicted to cause abnormal splicing because the nucleotide substitution occurs in the invariant region of the splice consensus sequence. In addition, in silico or computational prediction software programs (SpliceSiteFinder, MaxEntScan, NNSPLICE, GeneSplicer) predict a difference in splicing and the loss of the 3' canonical splice site. In summary, based on the above information the clinical significance of this variant cannot be determined with certainty at this time although we would lean towards a more pathogenic role for this variant. This variant is classified as likely pathogenic.

Literature cited by the submitters: PubMed 16199547 (cited by Labcorp Genetics (formerly Invitae), Labcorp); PubMed 16673358 (cited by Labcorp Genetics (formerly Invitae), Labcorp).